The following is an entry in ClinVar:

NM_000169.3(GLA):c.640-1G>T

Genes: GLA (galactosidase alpha; minus strand), RPL36A-HNRNPH2 (RPL36A-HNRNPH2 readthrough; plus strand). Cytogenetic location: Xq22.1.
Variant type: single nucleotide variant.
Coding change: c.640-1G>T on transcript NM_000169.3 (MANE Select); the canonical splice acceptor site of the intron before coding-DNA position 640, G replaced by T.
Molecular consequence: splice acceptor variant. On other transcripts: intron variant (2).
Genome position (GRCh38, 1-based): chrX:101,398,947, C>A on the plus strand (G>T on the coding strand, the complement: GLA is on the minus strand). VCF-style: chrX-101398947-C-A. GRCh37 (hg19) VCF-style: chrX-100653935-C-A.
Other names: c.300+3490C>A (NM_001199973.2); c.177+7125C>A (NM_001199974.2); c.763-1G>T (NM_001406747.1); c.640-1G>T (NM_001406748.1).
Identifiers: ClinVar variation 92560 (VCV000092560.9), dbSNP rs398123216, ClinGen allele CA021898.

ClinVar aggregate classification (germline): Pathogenic/Likely pathogenic. Review status: criteria provided, multiple submitters, no conflicts (2 of 4 stars). 4 submissions from 4 submitters: Pathogenic (3); Likely pathogenic (1). Last evaluated 2026-09-08.

Conditions:
Fabry disease. Also called: Fabry's disease; Angiokeratoma corporis diffusum; ALPHA-GALACTOSIDASE A DEFICIENCY; ANDERSON-FABRY DISEASE; CERAMIDE TRIHEXOSIDASE DEFICIENCY; Ceramide trihexosidosis. Identifiers: Orphanet 324, MedGen C0002986, MONDO:0010526, OMIM 301500, HP:0001071. Disease mechanism: loss of function, Fabry disease is due to inactivating mutations in the X-linked GLA gene resulting in deficiency of the enzyme Alpha Galactosidase-A..

Submissions (4):

Genomenon, Inc
Classification: Pathogenic for Fabry disease. Last evaluated: 2026-09-08. Review status: criteria provided, single submitter. Criteria: Genomenon Sequence Variant Interpretation Standards - Updated. Collection method: curation. Allele origin: germline. Affected: yes.
Comment: GLA c.640-1G>T is a canonical splice variant affecting the acceptor splice site of intron 4. It is predicted to affect mRNA splicing, leading to a deleterious effect on the GLA protein. This variant has been observed in at least one proband with clinical features consistent with Fabry disease (PMID:30386727). It is absent or not present at a significant frequency in gnomAD. In conclusion, we classify GLA c.640-1G>T as a pathogenic variant.

Labcorp Genetics (formerly Invitae), Labcorp
Classification: Pathogenic for Fabry disease. Last evaluated: 2025-08-20. Review status: criteria provided, single submitter. Criteria: Invitae Variant Classification Sherloc (09022015). Collection method: clinical testing. Allele origin: germline.
Comment: This sequence change affects an acceptor splice site in intron 4 of the GLA gene. It is expected to disrupt RNA splicing. Variants that disrupt the donor or acceptor splice site typically lead to a loss of protein function (PMID: 16199547), and loss-of-function variants in GLA are known to be pathogenic (PMID: 10666480, 12175777). This variant is not present in population databases (gnomAD no frequency). Disruption of this splice site has been observed in individual(s) with Fabry disease (PMID: 26631895, 30386727). In at least one individual the variant was observed to be de novo. ClinVar contains an entry for this variant (Variation ID: 92560). Algorithms developed to predict the effect of sequence changes on RNA splicing suggest that this variant may disrupt the consensus splice site. For these reasons, this variant has been classified as Pathogenic.

GeneDx
Classification: Likely pathogenic. Last evaluated: 2025-06-09. Review status: criteria provided, single submitter. Criteria: GeneDx Variant Classification Process June 2021. Collection method: clinical testing. Allele origin: germline. Affected: yes.
Comment: Canonical splice site variant predicted to result in an in-frame loss of the adjacent exon in a gene for which loss of function is a known mechanism of disease; Not observed at significant frequency in large population cohorts (gnomAD); This variant is associated with the following publications: (PMID: 27657681, 30386727)

Eurofins Ntd Llc (ga)
Classification: Pathogenic. Last evaluated: 2012-09-19. Review status: criteria provided, single submitter. Criteria: EGL Classification Definitions 2015. Collection method: clinical testing. Allele origin: germline. Observed: 5 variant alleles, 3 heterozygotes, 2 hemizygotes.

Literature cited by the submitters: PubMed 30386727 (cited by Genomenon, Inc and Labcorp Genetics (formerly Invitae), Labcorp); PubMed 16199547 (cited by Labcorp Genetics (formerly Invitae), Labcorp); PubMed 10666480 (cited by Labcorp Genetics (formerly Invitae), Labcorp); PubMed 12175777 (cited by Labcorp Genetics (formerly Invitae), Labcorp); PubMed 26631895 (cited by Labcorp Genetics (formerly Invitae), Labcorp).